The following is an entry in ClinVar:

ClinVar aggregate classification (germline): Conflicting classifications of pathogenicity. Review status: criteria provided, conflicting classifications (1 of 4 stars). 2 submissions from 2 submitters: Uncertain significance (1); Likely benign (1). Last evaluated 2026-08-12.

Conditions:
Hereditary cancer-predisposing syndrome. Also called: Tumor predisposition; Hereditary neoplastic syndrome; Hereditary Cancer Syndrome; Neoplastic Syndromes, Hereditary. Identifiers: Orphanet 140162, MedGen C0027672, MeSH D009386, MONDO:0015356.
DICER1-related tumor predisposition. Also called: DICER1-related pleuropulmonary blastoma cancer predisposition syndrome; DICER1 syndrome. Identifiers: Orphanet 284343, MedGen C3839822, MONDO:0100216.

Submissions (2):

Ambry Genetics
Classification: Uncertain significance for Hereditary cancer-predisposing syndrome. Last evaluated: 2026-08-12. Review status: criteria provided, single submitter. Criteria: Ambry Variant Classification Scheme 2023. Collection method: clinical testing. Allele origin: germline.
Comment: The c.5760C>T variant (also known as p.P1920P), located in coding exon 26 of the DICER1 gene, results from a C to T substitution at nucleotide position 5760. This nucleotide substitution does not change the proline at codon 1920. This nucleotide position is not well conserved in available vertebrate species. In silico splice site analysis for this alteration is inconclusive. Based on the available evidence, the clinical significance of this variant remains unclear.

Labcorp Genetics (formerly Invitae), Labcorp
Classification: Likely benign for DICER1-related tumor predisposition. Last evaluated: 2024-02-26. Review status: criteria provided, single submitter. Criteria: Invitae Variant Classification Sherloc (09022015). Collection method: clinical testing. Allele origin: germline.

NM_177438.3(DICER1):c.5760C>T (p.Pro1920=)

Gene: DICER1 (dicer 1, ribonuclease III; minus strand). Cytogenetic location: 14q32.13.
Variant type: single nucleotide variant.
Coding change: c.5760C>T on transcript NM_177438.3 (MANE Select); coding-DNA position 5760, C replaced by T.
Protein change: p.Pro1920=; no amino-acid change (proline 1920 retained).
Molecular consequence: synonymous variant. On other transcripts: non-coding transcript variant (4), 3 prime UTR variant (1).
Genome position (GRCh38, 1-based): chr14:95,090,507, G>A on the plus strand (C>T on the coding strand, the complement: DICER1 is on the minus strand). VCF-style: chr14-95090507-G-A. GRCh37 (hg19) VCF-style: chr14-95556844-G-A.
Other names: c.5760C>T, p.Pro1920= (NM_001395678.1, NM_001395679.1, NM_001395680.1 and 7 more transcripts); c.5478C>T, p.Pro1826= (NM_001395686.1); c.5355C>T, p.Pro1785= (NM_001395687.1, NM_001395688.1, NM_001395689.1 and 1 more transcripts); c.5193C>T, p.Pro1731= (NM_001395691.1); c.4077C>T, p.Pro1359= (NM_001395697.1); c.*107C>T (NM_001195573.1).
Identifiers: ClinVar variation 3643353 (VCV003643353.3).